The following is an entry in ClinVar:

NM_173560.4(RFX6):c.1979C>G (p.Pro660Arg)

Gene: RFX6 (regulatory factor X6; plus strand). Cytogenetic location: 6q22.1.
Variant type: single nucleotide variant.
Coding change: c.1979C>G on transcript NM_173560.4 (MANE Select); coding-DNA position 1979, C replaced by G.
Protein change: p.Pro660Arg; replaces proline 660 with arginine.
Molecular consequence: missense variant.
Genome position (GRCh38, 1-based): chr6:116,927,120, C>G. VCF-style: chr6-116927120-C-G. GRCh37 (hg19) VCF-style: chr6-117248283-C-G.
Other names: short protein forms P660R.
Identifiers: ClinVar variation 4753592 (VCV004753592.2).
Genomic context (GRCh38, chr6:116,927,120, plus strand): 5'-TGATGACACCACCCATTTCTCCAGCCATGGCAAGCCGAGGAAGTGTCATTAACCAAGGAC[C>G]AATGGCAGGGAGGCCCCCAAGTGTGGGCCCAGTACTGTCAGCTCCATCACACTGCTCCAC-3'
Protein context (NP_775831.2, residues 650-670): ASRGSVINQG[Pro660Arg]MAGRPPSVGP

ClinVar aggregate classification (germline): Uncertain significance. Review status: criteria provided, multiple submitters, no conflicts (2 of 4 stars). 2 submissions from 2 submitters: Uncertain significance (2). Last evaluated 2026-01-02.

gnomAD v4.1: 78 of 1,614,102 alleles (0.0048%); highest among the groups gnomAD compares: East Asian, 0.16%; no homozygotes.

Submissions (2):

Labcorp Genetics (formerly Invitae), Labcorp
Classification: Uncertain significance. Last evaluated: 2026-01-02. Review status: criteria provided, single submitter. Criteria: Invitae Variant Classification Sherloc (09022015). Collection method: clinical testing. Allele origin: germline.
Comment: This sequence change replaces proline, which is neutral and non-polar, with arginine, which is basic and polar, at codon 660 of the RFX6 protein (p.Pro660Arg). This variant is present in population databases (rs576501703, gnomAD 0.2%). This variant has not been reported in the literature in individuals affected with RFX6-related conditions. Invitae Evidence Modeling of protein sequence and biophysical properties (such as structural, functional, and spatial information, amino acid conservation, physicochemical variation, residue mobility, and thermodynamic stability) indicates that this missense variant is not expected to disrupt RFX6 protein function with a negative predictive value of 80%. In summary, the available evidence is currently insufficient to determine the role of this variant in disease. Therefore, it has been classified as a Variant of Uncertain Significance.

Blueprint Genetics
Classification: Uncertain significance. Last evaluated: 2024-02-15. Review status: criteria provided, single submitter. Criteria: ACMG Guidelines, 2015. Collection method: clinical testing. Allele origin: germline.